The following is an entry in ClinVar:

NM_020821.3(VPS13C):c.9818A>G (p.Asp3273Gly)

Gene: VPS13C (vacuolar protein sorting 13 homolog C; minus strand). Cytogenetic location: 15q22.2.
Variant type: single nucleotide variant.
Coding change: c.9818A>G on transcript NM_020821.3 (MANE Select); coding-DNA position 9818, A replaced by G.
Protein change: p.Asp3273Gly; replaces aspartic acid 3273 with glycine.
Molecular consequence: missense variant.
Genome position (GRCh38, 1-based): chr15:61,880,913, T>C on the plus strand (A>G on the coding strand, the complement: VPS13C is on the minus strand). VCF-style: chr15-61880913-T-C. GRCh37 (hg19) VCF-style: chr15-62173112-T-C.
Other names: c.9818A>G, p.Asp3273Gly (NM_001018088.3); c.9689A>G, p.Asp3230Gly (NM_017684.5, NM_018080.4); short protein forms D3230G, D3273G.
Identifiers: ClinVar variation 2130991 (VCV002130991.4), dbSNP rs2547818155, ClinGen allele CA392672720.

ClinVar aggregate classification (germline): Uncertain significance (1 of 4 stars; one submission).

Submission:

Labcorp Genetics (formerly Invitae), Labcorp
Classification: Uncertain significance. Last evaluated: 2022-04-27. Review status: criteria provided, single submitter. Criteria: Invitae Variant Classification Sherloc (09022015). Collection method: clinical testing. Allele origin: germline.
Comment: This sequence change replaces aspartic acid, which is acidic and polar, with glycine, which is neutral and non-polar, at codon 3273 of the VPS13C protein (p.Asp3273Gly). This variant is not present in population databases (gnomAD no frequency). This variant has not been reported in the literature in individuals affected with VPS13C-related conditions. Algorithms developed to predict the effect of missense changes on protein structure and function (SIFT, PolyPhen-2, Align-GVGD) all suggest that this variant is likely to be disruptive. In summary, the available evidence is currently insufficient to determine the role of this variant in disease. Therefore, it has been classified as a Variant of Uncertain Significance.